The following is an entry in ClinVar:

NM_001204.7(BMPR2):c.1712C>A (p.Ser571Tyr)

Gene: BMPR2 (bone morphogenetic protein receptor type 2; plus strand). Cytogenetic location: 2q33.2.
Variant type: single nucleotide variant.
Coding change: c.1712C>A on transcript NM_001204.7 (MANE Select); coding-DNA position 1712, C replaced by A.
Protein change: p.Ser571Tyr; replaces serine 571 with tyrosine.
Molecular consequence: missense variant.
Genome position (GRCh38, 1-based): chr2:202,555,377, C>A. VCF-style: chr2-202555377-C-A. GRCh37 (hg19) VCF-style: chr2-203420100-C-A.
Other names: short protein forms S571Y.
Identifiers: ClinVar variation 3481278 (VCV003481278.1).

ClinVar aggregate classification (germline): Uncertain significance (1 of 4 stars; one submission).

Conditions:
Inborn genetic diseases. Identifiers: MedGen C0950123, MeSH D030342.

Submission:

Ambry Genetics
Classification: Uncertain significance for Inborn genetic diseases. Last evaluated: 2024-11-20. Review status: criteria provided, single submitter. Criteria: Ambry Variant Classification Scheme 2023. Collection method: clinical testing. Allele origin: germline.
Comment: The p.S571Y variant (also known as c.1712C>A), located in coding exon 12 of the BMPR2 gene, results from a C to A substitution at nucleotide position 1712. The serine at codon 571 is replaced by tyrosine, an amino acid with dissimilar properties. This amino acid position is conserved. In addition, the in silico prediction for this alteration is inconclusive. Based on the available evidence, the clinical significance of this variant remains unclear.